The following is an entry in ClinVar:

ClinVar aggregate classification (germline): Likely benign. Review status: criteria provided, single submitter (1 of 4 stars). 2 submissions from 2 submitters: Likely benign (1). 1 of the submissions does not count toward it. Last evaluated 2026-01-15.

Conditions:
ITGB4-related disorder. Also called: ITGB4-related condition.

Allele frequency attached by ClinVar (database versions not stated): TOPMed 0.00049; gnomAD 0.00051; 1000 Genomes Project 30x 0.00234; 1000 Genomes Project 0.00240.
gnomAD v4.1: 241 of 1,613,696 alleles (0.015%); highest among the groups gnomAD compares: East Asian, 0.44%; no homozygotes.

Submissions (2):

Labcorp Genetics (formerly Invitae), Labcorp
Classification: Likely benign. Last evaluated: 2026-01-15. Review status: criteria provided, single submitter. Criteria: Invitae Variant Classification Sherloc (09022015). Collection method: clinical testing. Allele origin: germline.

PreventionGenetics, part of Exact Sciences
Classification: Benign for ITGB4-related condition. Last evaluated: 2019-07-10. Review status: no assertion criteria provided. Collection method: clinical testing. Allele origin: germline. Not counted in ClinVar's aggregate classification.
Comment: This variant is classified as benign based on ACMG/AMP sequence variant interpretation guidelines (Richards et al. 2015 PMID: 25741868, with internal and published modifications).

NM_000213.5(ITGB4):c.2531G>T (p.Arg844Leu)

Gene: ITGB4 (integrin subunit beta 4; plus strand). Cytogenetic location: 17q25.1.
Variant type: single nucleotide variant.
Coding change: c.2531G>T on transcript NM_000213.5 (MANE Select); coding-DNA position 2531, G replaced by T.
Protein change: p.Arg844Leu; replaces arginine 844 with leucine.
Molecular consequence: missense variant.
Genome position (GRCh38, 1-based): chr17:75,740,442, G>T. VCF-style: chr17-75740442-G-T. GRCh37 (hg19) VCF-style: chr17-73736523-G-T.
Other names: c.2531G>T, p.Arg844Leu (NM_001005619.2, NM_001005731.3, NM_001321123.2); short protein forms R844L.
Identifiers: ClinVar variation 717464 (VCV000717464.12), dbSNP rs140819116, ClinGen allele CA8769438.